The following is an entry in ClinVar:

ClinVar aggregate classification (germline): Uncertain significance (1 of 4 stars; one submission).

Allele frequency attached by ClinVar (database versions not stated): gnomAD 0.00001; ExAC 0.00002; gnomAD exomes 0.00004.
gnomAD v4.1: 16 of 1,613,510 alleles (0.00099%); highest among the groups gnomAD compares: Admixed American, 0.012%; no homozygotes.

Submission:

Labcorp Genetics (formerly Invitae), Labcorp
Classification: Uncertain significance. Last evaluated: 2021-08-15. Review status: criteria provided, single submitter. Criteria: Invitae Variant Classification Sherloc (09022015). Collection method: clinical testing. Allele origin: germline.
Comment: This variant is present in population databases (rs749729823, ExAC 0.005%). In summary, the available evidence is currently insufficient to determine the role of this variant in disease. Therefore, it has been classified as a Variant of Uncertain Significance. Algorithms developed to predict the effect of missense changes on protein structure and function (SIFT, PolyPhen-2, Align-GVGD) all suggest that this variant is likely to be tolerated. This variant has not been reported in the literature in individuals affected with VPS13C-related conditions. This sequence change replaces leucine with isoleucine at codon 2442 of the VPS13C protein (p.Leu2442Ile). The leucine residue is moderately conserved and there is a small physicochemical difference between leucine and isoleucine.

NM_020821.3(VPS13C):c.7324C>A (p.Leu2442Ile)

Gene: VPS13C (vacuolar protein sorting 13 homolog C; minus strand). Cytogenetic location: 15q22.2.
Variant type: single nucleotide variant.
Coding change: c.7324C>A on transcript NM_020821.3 (MANE Select); coding-DNA position 7324, C replaced by A.
Protein change: p.Leu2442Ile; replaces leucine 2442 with isoleucine.
Molecular consequence: missense variant.
Genome position (GRCh38, 1-based): chr15:61,920,220, G>T on the plus strand (C>A on the coding strand, the complement: VPS13C is on the minus strand). VCF-style: chr15-61920220-G-T. GRCh37 (hg19) VCF-style: chr15-62212419-G-T.
Other names: c.7324C>A, p.Leu2442Ile (NM_001018088.3); c.7195C>A, p.Leu2399Ile (NM_017684.5, NM_018080.4); short protein forms L2399I, L2442I.
Identifiers: ClinVar variation 1416945 (VCV001416945.7), dbSNP rs749729823, ClinGen allele CA7595291.